The following is an entry in ClinVar:

NM_177438.3(DICER1):c.3533_3534delinsGG (p.Leu1178Arg)

Gene: DICER1 (dicer 1, ribonuclease III; minus strand). Cytogenetic location: 14q32.13.
Variant type: Indel.
Coding change: c.3533_3534delinsGG on transcript NM_177438.3 (MANE Select); coding-DNA positions 3533 to 3534, TT replaced by GG.
Protein change: p.Leu1178Arg; replaces leucine 1178 with arginine.
Molecular consequence: missense variant. On other transcripts: non-coding transcript variant (6).
Genome position (GRCh38, 1-based): chr14:95,103,862-95,103,863, AA replaced by CC on the plus strand (TT replaced by GG on the coding strand, the reverse complement: DICER1 is on the minus strand). VCF-style: chr14-95103862-AA-CC. GRCh37 (hg19) VCF-style: chr14-95570199-AA-CC.
Other names: c.3533_3534delinsGG, p.Leu1178Arg (NM_001395684.1, NM_001395692.1, NM_001395693.1 and 12 more transcripts); c.3251_3252delinsGG, p.Leu1084Arg (NM_001395686.1); c.3128_3129delinsGG, p.Leu1043Arg (NM_001395687.1, NM_001395688.1, NM_001395689.1 and 2 more transcripts); c.2966_2967delinsGG, p.Leu989Arg (NM_001395691.1); c.1850_1851delinsGG, p.Leu617Arg (NM_001395697.1); c.3533_3534delTTinsGG, p.Leu1178Arg (NM_001395681.1); short protein forms L1084R, L989R, L1043R, L1178R, L617R.
Identifiers: ClinVar variation 2728538 (VCV002728538.3), dbSNP rs2542709741, ClinGen allele CA2697554163.

ClinVar aggregate classification (germline): Uncertain significance (1 of 4 stars; one submission).

Conditions:
DICER1-related tumor predisposition. Also called: DICER1-related pleuropulmonary blastoma cancer predisposition syndrome; DICER1 syndrome. Identifiers: Orphanet 284343, MedGen C3839822, MONDO:0100216.

Submission:

Labcorp Genetics (formerly Invitae), Labcorp
Classification: Uncertain significance for DICER1-related tumor predisposition. Last evaluated: 2023-06-25. Review status: criteria provided, single submitter. Criteria: Invitae Variant Classification Sherloc (09022015). Collection method: clinical testing. Allele origin: germline.
Comment: In summary, the available evidence is currently insufficient to determine the role of this variant in disease. Therefore, it has been classified as a Variant of Uncertain Significance. An algorithm developed to predict the effect of missense changes on protein structure and function (PolyPhen-2) suggests that this variant is likely to be tolerated. This variant has not been reported in the literature in individuals affected with DICER1-related conditions. Information on the frequency of this variant in the gnomAD database is not available, as this variant may be reported differently in the database. This sequence change replaces leucine, which is neutral and non-polar, with arginine, which is basic and polar, at codon 1178 of the DICER1 protein (p.Leu1178Arg).